The following is an entry in ClinVar:

NM_172351.3(CD46):c.370C>T (p.His124Tyr)

Gene: CD46 (CD46 molecule; plus strand). Cytogenetic location: 1q32.2.
Variant type: single nucleotide variant.
Coding change: c.370C>T on transcript NM_172351.3 (MANE Select); coding-DNA position 370, C replaced by T.
Protein change: p.His124Tyr; replaces histidine 124 with tyrosine.
Molecular consequence: missense variant.
Genome position (GRCh38, 1-based): chr1:207,757,623, C>T. VCF-style: chr1-207757623-C-T. GRCh37 (hg19) VCF-style: chr1-207930968-C-T.
Other names: c.370C>T, p.His124Tyr (NM_002389.4, NM_153826.4, NM_172350.3 and 8 more transcripts); short protein forms H124Y.
Identifiers: ClinVar variation 2872495 (VCV002872495.3), dbSNP rs376091114, ClinGen allele CA1371593.
Genomic context (GRCh38, chr1:207,757,623, plus strand): 5'-GATCCTTTAAATGGCCAAGCAGTCCCTGCAAATGGGACTTACGAGTTTGGTTATCAGATG[C>T]ACTTTATTTGTAATGAGGGGTAAGTTGCTCCTTAGAGGAAATAAGGGAAGTGTTAGTAAT-3'
Protein context (NP_758861.1, residues 114-134): NGTYEFGYQM[His124Tyr]FICNEGYYLI

ClinVar aggregate classification (germline): Uncertain significance (1 of 4 stars; one submission).

Allele frequency attached by ClinVar (database versions not stated): TOPMed below 0.00001; gnomAD 0.00001; gnomAD exomes 0.00001; ExAC 0.00002; ESP Exome Variant Server 0.00008.
gnomAD v4.1: 12 of 1,606,984 alleles (0.00075%); highest among the groups gnomAD compares: African/African-American, 0.0013%; no homozygotes.

Submission:

Labcorp Genetics (formerly Invitae), Labcorp
Classification: Uncertain significance. Last evaluated: 2023-08-04. Review status: criteria provided, single submitter. Criteria: Invitae Variant Classification Sherloc (09022015). Collection method: clinical testing. Allele origin: germline.
Comment: This variant has not been reported in the literature in individuals affected with CD46-related conditions. This sequence change replaces histidine, which is basic and polar, with tyrosine, which is neutral and polar, at codon 124 of the CD46 protein (p.His124Tyr). This variant is present in population databases (rs376091114, gnomAD 0.005%). Advanced modeling of protein sequence and biophysical properties (such as structural, functional, and spatial information, amino acid conservation, physicochemical variation, residue mobility, and thermodynamic stability) performed at Invitae indicates that this missense variant is not expected to disrupt CD46 protein function. In summary, the available evidence is currently insufficient to determine the role of this variant in disease. Therefore, it has been classified as a Variant of Uncertain Significance.